The following is an entry in ClinVar:

NM_001365999.1(SZT2):c.4814G>T (p.Gly1605Val)

Gene: SZT2 (SZT2 subunit of KICSTOR complex; plus strand). Cytogenetic location: 1p34.2.
Variant type: single nucleotide variant.
Coding change: c.4814G>T on transcript NM_001365999.1 (MANE Select); coding-DNA position 4814, G replaced by T.
Protein change: p.Gly1605Val; replaces glycine 1605 with valine.
Molecular consequence: missense variant.
Genome position (GRCh38, 1-based): chr1:43,430,988, G>T. VCF-style: chr1-43430988-G-T. GRCh37 (hg19) VCF-style: chr1-43896659-G-T.
Other names: c.4643G>T, p.Gly1548Val (NM_015284.4); short protein forms G1548V, G1605V.
Identifiers: ClinVar variation 588317 (VCV000588317.15), dbSNP rs748780265, ClinGen allele CA809383.

ClinVar aggregate classification (germline): Uncertain significance. Review status: criteria provided, multiple submitters, no conflicts (2 of 4 stars). 3 submissions from 3 submitters: Uncertain significance (3). Last evaluated 2024-02-17.

Conditions:
Inborn genetic diseases. Identifiers: MedGen C0950123, MeSH D030342.
Developmental and epileptic encephalopathy, 18 (DEE18). Also called: Early infantile epileptic encephalopathy 18. Identifiers: Orphanet 369894, MedGen C3809624, MONDO:0014201, OMIM 615476.

Allele frequency attached by ClinVar (database versions not stated): gnomAD exomes below 0.00001; ExAC 0.00001; TOPMed 0.00005; gnomAD 0.00006.
gnomAD v4.1: 10 of 1,613,996 alleles (0.00062%); highest among the groups gnomAD compares: African/African-American, 0.013%; no homozygotes.

Submissions (3):

Labcorp Genetics (formerly Invitae), Labcorp
Classification: Uncertain significance. Last evaluated: 2024-02-17. Review status: criteria provided, single submitter. Criteria: Invitae Variant Classification Sherloc (09022015). Collection method: clinical testing. Allele origin: germline.
Comment: This sequence change replaces glycine, which is neutral and non-polar, with valine, which is neutral and non-polar, at codon 1548 of the SZT2 protein (p.Gly1548Val). This variant is present in population databases (rs748780265, gnomAD 0.007%). This variant has not been reported in the literature in individuals affected with SZT2-related conditions. ClinVar contains an entry for this variant (Variation ID: 588317). Advanced modeling of protein sequence and biophysical properties (such as structural, functional, and spatial information, amino acid conservation, physicochemical variation, residue mobility, and thermodynamic stability) performed at Invitae indicates that this missense variant is not expected to disrupt SZT2 protein function with a negative predictive value of 80%. In summary, the available evidence is currently insufficient to determine the role of this variant in disease. Therefore, it has been classified as a Variant of Uncertain Significance.

Genome-Nilou Lab
Classification: Uncertain significance for Developmental and epileptic encephalopathy, 18. Last evaluated: 2023-04-11. Review status: criteria provided, single submitter. Criteria: ACMG Guidelines, 2015. Collection method: clinical testing. Allele origin: germline. Affected: no.

Ambry Genetics
Classification: Uncertain significance for Inborn genetic diseases. Last evaluated: 2016-10-07. Review status: criteria provided, single submitter. Criteria: Ambry Variant Classification Scheme 2023. Collection method: clinical testing. Allele origin: germline.
Comment: The p.G1548V variant (also known as c.4643G>T), located in coding exon 32 of the SZT2 gene, results from a G to T substitution at nucleotide position 4643. The glycine at codon 1548 is replaced by valine, an amino acid with dissimilar properties. This variant was not reported in population based cohorts in the following databases: Database of Single Nucleotide Polymorphisms (dbSNP), NHLBI Exome Sequencing Project (ESP), and 1000 Genomes Project. In the ESP, this variant was not observed in 6503 samples (13006 alleles) with coverage at this position. This amino acid position is not well conserved in available vertebrate species. In addition, this alteration is predicted to be tolerated by in silico analysis. Since supporting evidence is limited at this time, the clinical significance of this alteration remains unclear.